The following is an entry in ClinVar:

ClinVar aggregate classification (germline): Uncertain significance (1 of 4 stars; one submission).

Allele frequency attached by ClinVar (database versions not stated): ExAC 0.00004.
gnomAD v4.1: 8 of 1,190,466 alleles (0.00067%); highest among the groups gnomAD compares: South Asian, 0.0092%; no homozygotes.

Submission:

Labcorp Genetics (formerly Invitae), Labcorp
Classification: Uncertain significance. Last evaluated: 2023-09-01. Review status: criteria provided, single submitter. Criteria: Invitae Variant Classification Sherloc (09022015). Collection method: clinical testing. Allele origin: germline.
Comment: In summary, the available evidence is currently insufficient to determine the role of this variant in disease. Therefore, it has been classified as a Variant of Uncertain Significance. Advanced modeling of protein sequence and biophysical properties (such as structural, functional, and spatial information, amino acid conservation, physicochemical variation, residue mobility, and thermodynamic stability) performed at Invitae indicates that this missense variant is not expected to disrupt CACNA1F protein function. This variant has not been reported in the literature in individuals affected with CACNA1F-related conditions. The frequency data for this variant in the population databases is considered unreliable, as metrics indicate poor data quality at this position in the gnomAD database. This sequence change replaces arginine, which is basic and polar, with glutamine, which is neutral and polar, at codon 516 of the CACNA1F protein (p.Arg516Gln).

NM_001256789.3(CACNA1F):c.1514G>A (p.Arg505Gln)

Gene: CACNA1F (calcium voltage-gated channel subunit alpha1 F; minus strand). Cytogenetic location: Xp11.23.
Variant type: single nucleotide variant.
Coding change: c.1514G>A on transcript NM_001256789.3 (MANE Select); coding-DNA position 1514, G replaced by A.
Protein change: p.Arg505Gln; replaces arginine 505 with glutamine.
Molecular consequence: missense variant.
Genome position (GRCh38, 1-based): chrX:49,226,046, C>T on the plus strand (G>A on the coding strand, the complement: CACNA1F is on the minus strand). VCF-style: chrX-49226046-C-T. GRCh37 (hg19) VCF-style: chrX-49082508-C-T.
Other names: c.1352G>A, p.Arg451Gln (NM_001256790.3); c.1547G>A, p.Arg516Gln (NM_005183.4); short protein forms R451Q, R505Q, R516Q.
Identifiers: ClinVar variation 3007754 (VCV003007754.3), dbSNP rs782235108, ClinGen allele CA10410835.